The following is an entry in ClinVar:

NM_000059.4(BRCA2):c.2944dup (p.Ile982fs)

Gene: BRCA2 (BRCA2 DNA repair associated; plus strand). Cytogenetic location: 13q13.1.
Variant type: Duplication.
Coding change: c.2944dup on transcript NM_000059.4 (MANE Select); coding-DNA position 2944, one base duplicated (A; older notation c.2944dupA).
Protein change: p.Ile982fs; shifts the reading frame from isoleucine 982.
Molecular consequence: frameshift variant.
Genome position (GRCh38, 1-based): chr13:32,337,299, A duplicated; the last of 4 consecutive A bases (chr13:32,337,296-32,337,299); duplicating any one gives the same sequence. VCF-style (leftmost placement, unchanged base first): chr13-32337295-T-TA. GRCh37 (hg19) VCF-style: chr13-32911432-T-TA.
Other names: short protein forms I982fs.
Identifiers: ClinVar variation 927681 (VCV000927681.3), dbSNP rs2072468468, ClinGen allele CA913188641.
Genomic context (GRCh38, chr13:32,337,295, plus strand): 5'-GCAGCATATAAAAATGACTCTAGGTCAAGATTTAAAATCGGACATCTCCTTGAATATAGA[T>TA]AAAATACCAGAAAAAAATAATGATTACATGAACAAATGGGCAGGACTCTTAGGTCCAATT-3'

ClinVar aggregate classification (germline): Pathogenic (1 of 4 stars; one submission).

Conditions:
Hereditary cancer-predisposing syndrome. Also called: Neoplastic Syndromes, Hereditary; Hereditary Cancer Syndrome; Tumor predisposition; Hereditary neoplastic syndrome. Identifiers: Orphanet 140162, MedGen C0027672, MeSH D009386, MONDO:0015356.

Submission:

Color Diagnostics, LLC DBA Color Health
Classification: Pathogenic for Hereditary cancer-predisposing syndrome. Last evaluated: 2020-05-14. Review status: criteria provided, single submitter. Criteria: ACMG Guidelines, 2015. Collection method: clinical testing. Allele origin: germline.
Comment: This variant inserts 1 nucleotide in exon 11 of the BRCA2 gene, creating a frameshift and premature translation stop signal. This variant is expected to result in an absent or non-functional protein product. To our knowledge, this variant has not been reported in individuals affected with hereditary cancer in the literature. This variant has not been identified in the general population by the Genome Aggregation Database (gnomAD). Loss of BRCA2 function is a known mechanism of disease. Based on the available evidence, this variant is classified as Pathogenic.